The following is an entry in ClinVar:

ClinVar aggregate classification (germline): Uncertain significance. Review status: criteria provided, multiple submitters, no conflicts (2 of 4 stars). 3 submissions from 3 submitters: Uncertain significance (3). Last evaluated 2025-07-07.

Conditions:
Inborn genetic diseases. Identifiers: MedGen C0950123, MeSH D030342.
Combined immunodeficiency due to DOCK8 deficiency (HIES2). Also called: HIES autosomal recessive; Hyper-IgE recurrent infection syndrome, autosomal recessive; HYPER-IgE SYNDROME 2, AUTOSOMAL RECESSIVE, WITH RECURRENT INFECTIONS; HYPER-IgE RECURRENT INFECTION SYNDROME 2, AUTOSOMAL RECESSIVE; DOCK8 Deficiency. Identifiers: Orphanet 217390, MedGen C4722305, MONDO:0009478, OMIM 243700.

Allele frequency attached by ClinVar (database versions not stated): TOPMed below 0.00001; gnomAD 0.00001; ExAC 0.00002; gnomAD exomes 0.00002.
gnomAD v4.1: 64 of 1,614,112 alleles (0.004%); highest among the groups gnomAD compares: Non-Finnish European, 0.0052%; no homozygotes.

Submissions (3):

Labcorp Genetics (formerly Invitae), Labcorp
Classification: Uncertain significance for Combined immunodeficiency due to DOCK8 deficiency. Last evaluated: 2025-07-07. Review status: criteria provided, single submitter. Criteria: Invitae Variant Classification Sherloc (09022015). Collection method: clinical testing. Allele origin: germline.
Comment: This sequence change replaces glutamic acid, which is acidic and polar, with glutamine, which is neutral and polar, at codon 1911 of the DOCK8 protein (p.Glu1911Gln). This variant is present in population databases (rs759086407, gnomAD 0.004%). This variant has not been reported in the literature in individuals affected with DOCK8-related conditions. ClinVar contains an entry for this variant (Variation ID: 1698095). Invitae Evidence Modeling of protein sequence and biophysical properties (such as structural, functional, and spatial information, amino acid conservation, physicochemical variation, residue mobility, and thermodynamic stability) indicates that this missense variant is not expected to disrupt DOCK8 protein function with a negative predictive value of 80%. In summary, the available evidence is currently insufficient to determine the role of this variant in disease. Therefore, it has been classified as a Variant of Uncertain Significance.

Ambry Genetics
Classification: Uncertain significance for Inborn genetic diseases. Last evaluated: 2024-12-11. Review status: criteria provided, single submitter. Criteria: Ambry Variant Classification Scheme 2023. Collection method: clinical testing. Allele origin: germline.

GeneDx
Classification: Uncertain significance. Last evaluated: 2022-01-11. Review status: criteria provided, single submitter. Criteria: GeneDx Variant Classification Process June 2021. Collection method: clinical testing. Allele origin: germline. Affected: yes.
Comment: Has not been previously published as pathogenic or benign to our knowledge; In silico analysis supports that this missense variant has a deleterious effect on protein structure/function; This variant is associated with the following publications: (PMID: 27350570, 19898472)

NM_203447.4(DOCK8):c.5731G>C (p.Glu1911Gln)

Gene: DOCK8 (dedicator of cytokinesis 8; plus strand). Cytogenetic location: 9p24.3.
Variant type: single nucleotide variant.
Coding change: c.5731G>C on transcript NM_203447.4 (MANE Select); coding-DNA position 5731, G replaced by C.
Protein change: p.Glu1911Gln; replaces glutamic acid 1911 with glutamine.
Molecular consequence: missense variant.
Genome position (GRCh38, 1-based): chr9:446,520, G>C. VCF-style: chr9-446520-G-C. GRCh37 (hg19) VCF-style: chr9-446520-G-C.
Other names: c.5431G>C, p.Glu1811Gln (NM_001190458.2); c.5527G>C, p.Glu1843Gln (NM_001193536.2); short protein forms E1811Q, E1843Q, E1911Q.
Identifiers: ClinVar variation 1698095 (VCV001698095.5), dbSNP rs759086407, ClinGen allele CA4959523.